The following is an entry in ClinVar:

ClinVar aggregate classification (germline): Likely pathogenic (1 of 4 stars; one submission).

Conditions:
NSD1-related disorder. Also called: NSD1-related condition.

Submission:

PreventionGenetics, part of Exact Sciences
Classification: Likely pathogenic for NSD1-related condition. Last evaluated: 2025-02-09. Review status: criteria provided, single submitter. Criteria: ACMG Guidelines, 2015. Collection method: clinical testing. Allele origin: germline.
Comment: The NSD1 c.7621C>T variant is predicted to result in premature protein termination (p.Gln2541*). To our knowledge, this variant has not been reported in the literature or in a large population database (gnomAD), indicating this variant is rare. This variant resides in the large terminal exon of this gene, and it is unclear if the resulting mRNA would undergo nonsense-mediated decay. However, multiple nonsense and frameshift variants downstream have been reported in individuals with Sotos syndrome (see for example, Table S1, Tatton-Brown et al. 2017. PubMed ID: 28475857; Table S1, Foster et al. 2019. PubMed ID: 31479583). Nonsense variants in NSD1 are expected to be pathogenic. This variant is interpreted as likely pathogenic.

NM_022455.5(NSD1):c.7621C>T (p.Gln2541Ter)

Gene: NSD1 (nuclear receptor binding SET domain protein 1; plus strand). Cytogenetic location: 5q35.3.
Variant type: single nucleotide variant.
Coding change: c.7621C>T on transcript NM_022455.5 (MANE Select); coding-DNA position 7621, C replaced by T.
Protein change: p.Gln2541Ter; replaces glutamine 2541 with a stop codon.
Molecular consequence: nonsense.
Genome position (GRCh38, 1-based): chr5:177,294,989, C>T. VCF-style: chr5-177294989-C-T. GRCh37 (hg19) VCF-style: chr5-176721990-C-T.
Other names: c.6748C>T, p.Gln2250Ter (NM_001365684.2, NM_001409308.1, NM_172349.5); c.7621C>T, p.Gln2541Ter (NM_001409301.1, NM_001409302.1, NM_001409303.1); c.7201C>T, p.Gln2401Ter (NM_001409304.1); c.6868C>T, p.Gln2290Ter (NM_001409305.1); c.6859C>T, p.Gln2287Ter (NM_001409306.1, NM_001409307.1); c.6499C>T, p.Gln2167Ter (NM_001409309.1); short protein forms Q2401*, Q2541*, Q2250*, Q2290*, Q2167*, Q2287*.
Identifiers: ClinVar variation 5000989 (VCV005000989.1).